The following is an entry in ClinVar:

ClinVar aggregate classification (germline): Benign. Review status: reviewed by expert panel (3 of 4 stars). 12 submissions from 11 submitters: Benign (1). 11 of the submissions do not count toward it. Last evaluated 2023-11-14.

Conditions:
Combined immunodeficiency with skin granulomas. Identifiers: Orphanet 157949, MedGen C2673536, MONDO:0009306, OMIM 233650.
Severe combined immunodeficiency, autosomal recessive, T cell-negative, B cell-negative, NK cell-positive. Also called: Severe combined immunodeficiency due to complete RAG1/2 deficiency; SCID, T CELL-NEGATIVE, B CELL-NEGATIVE, NK CELL-POSITIVE; SCID, AR, T-cell negative, B-cell negative, NK cell-positive. Identifiers: Orphanet 331206, MedGen C1832322, MONDO:0011086, OMIM 601457.
Severe combined immunodeficiency disease. Also called: Severe combined immunodeficiency; Severe Combined Immune Deficiency. Identifiers: Orphanet 183660, MedGen C0085110, MeSH D016511, MONDO:0015974, HP:0004430. Inheritance: X-Linked or Autosomal recessive.
Combined immunodeficiency due to partial RAG1 deficiency. Identifiers: Orphanet 231154, MedGen C1835931, MONDO:0012359, OMIM 609889.
Histiocytic medullary reticulosis. Also called: Omenn syndrome; SEVERE COMBINED IMMUNODEFICIENCY WITH HYPEREOSINOPHILIA. Identifiers: Orphanet 39041, MedGen C2700553, MONDO:0011338, OMIM 603554.
Recombinase activating gene 1 deficiency. Identifiers: MedGen CN375631, MONDO:0000572.

Allele frequency attached by ClinVar (database versions not stated): gnomAD exomes 0.00232 and 0.00617; ExAC 0.00743; gnomAD 0.02153; 1000 Genomes Project 0.02296; 1000 Genomes Project 30x 0.02405; TOPMed 0.02491; ESP Exome Variant Server 0.02577.
gnomAD v4.1: 6,890 of 1,614,148 alleles (0.43%); highest among the groups gnomAD compares: African/African-American, 7.8%; 236 homozygotes.

Submissions (12):

ClinGen Severe Combined Immunodeficiency Variant Curation Expert Panel, ClinGen
Classification: Benign for Recombinase activating gene 1 deficiency. Last evaluated: 2023-11-14. Review status: reviewed by expert panel. Criteria: ClinGen SCID ACMG Specifications RAG1 V1.0.0. Collection method: curation. Allele origin: germline. Inheritance: Autosomal recessive inheritance.
Comment: The c.906C>A (NM_000448.3) variant in RAG1 is a missense variant predicted to cause substitution of Aspartic Acid by Glutamic Acid at amino acid 302 (p.Asp302Glu). The filtering allele frequency (the lower threshold of the 95% CI of 1968/24958) of the c.906C>A variant in RAG1 is 0.07684 for African/African American chromosomes by gnomAD v2.1.1, which is higher than the ClinGen SCID VCEP threshold (>0.00872) for BA1, and therefore meets this criterion (BA1). In summary, this variant meets the criteria to be classified as Benign for autosomal recessive SCID based on the ACMG/AMP criteria applied, BA1, as specified by the ClinGen SCID VCEP (VCEP specifications version 1).

Labcorp Genetics (formerly Invitae), Labcorp
Classification: Benign for Combined immunodeficiency with skin granulomas; Severe combined immunodeficiency, autosomal recessive, T cell-negative, B cell-negative, NK cell-positive. Last evaluated: 2026-01-31. Review status: criteria provided, single submitter. Criteria: Invitae Variant Classification Sherloc (09022015). Collection method: clinical testing. Allele origin: germline. Not counted in ClinVar's aggregate classification.

ARUP Laboratories, Molecular Genetics and Genomics, ARUP Laboratories
Classification: Benign. Last evaluated: 2025-07-08. Review status: criteria provided, single submitter. Criteria: ARUP Molecular Germline Variant Investigation Process 2024. Collection method: clinical testing. Allele origin: germline. Not counted in ClinVar's aggregate classification.

Fulgent Genetics
Classification: Likely benign for Combined immunodeficiency with skin granulomas; Severe combined immunodeficiency, autosomal recessive, T cell-negative, B cell-negative, NK cell-positive; Histiocytic medullary reticulosis; Combined immunodeficiency due to partial RAG1 deficiency. Last evaluated: 2022-04-26. Review status: criteria provided, single submitter. Criteria: ACMG Guidelines, 2015. Collection method: clinical testing. Allele origin: unknown. Not counted in ClinVar's aggregate classification.

Mayo Clinic Laboratories, Mayo Clinic
Classification: Benign. Last evaluated: 2020-03-23. Review status: criteria provided, single submitter. Criteria: ACMG Guidelines, 2015. Collection method: clinical testing. Allele origin: germline. Observed: 5 variant alleles. Not counted in ClinVar's aggregate classification.

Illumina Laboratory Services, Illumina
Classification: Benign for Histiocytic medullary reticulosis. Last evaluated: 2018-01-12. Review status: criteria provided, single submitter. Criteria: ICSL Variant Classification Criteria 13 December 2019. Collection method: clinical testing. Allele origin: germline. Not counted in ClinVar's aggregate classification.
Comment: This variant was observed in the ICSL laboratory as part of a predisposition screen in an ostensibly healthy population. It had not been previously curated by ICSL or reported in the Human Gene Mutation Database (HGMD: prior to June 1st, 2018), and was therefore a candidate for classification through an automated scoring system. Utilizing variant allele frequency, disease prevalence and penetrance estimates, and inheritance mode, an automated score was calculated to assess if this variant is too frequent to cause the disease. Based on the score and internal cut-off values, a variant classified as benign is not then subjected to further curation. The score for this variant resulted in a classification of benign for this disease.

Illumina Laboratory Services, Illumina
Classification: Benign for Severe combined immunodeficiency, autosomal recessive, T cell-negative, B cell-negative, NK cell-positive. Last evaluated: 2018-01-12. Review status: criteria provided, single submitter. Criteria: ICSL Variant Classification Criteria 13 December 2019. Collection method: clinical testing. Allele origin: germline. Not counted in ClinVar's aggregate classification.
Comment: the same text as in the submission from Illumina Laboratory Services, Illumina above.

Center for Pediatric Genomic Medicine, Children's Mercy Hospital and Clinics
Classification: Benign. Last evaluated: 2015-02-17. Review status: criteria provided, single submitter. Criteria: ACMG Guidelines, 2015. Collection method: clinical testing. Allele origin: germline. Not counted in ClinVar's aggregate classification.

GeneDx
Classification: Benign. Last evaluated: 2013-12-18. Review status: criteria provided, single submitter. Criteria: GeneDx Variant Classification (06012015). Collection method: clinical testing. Allele origin: germline. Affected: yes. Not counted in ClinVar's aggregate classification.
Comment: This variant is considered likely benign or benign based on one or more of the following criteria: it is a conservative change, it occurs at a poorly conserved position in the protein, it is predicted to be benign by multiple in silico algorithms, and/or has population frequency not consistent with disease.

Breakthrough Genomics
Classification: Benign. Review status: criteria provided, single submitter. Criteria: ACMG Guidelines, 2015. Collection method: not provided. Allele origin: germline. Inheritance: Autosomal recessive inheritance. Affected: yes. Not counted in ClinVar's aggregate classification.

PreventionGenetics, part of Exact Sciences
Classification: Benign. Review status: criteria provided, single submitter. Criteria: ACMG Guidelines, 2015. Collection method: clinical testing. Allele origin: germline. Not counted in ClinVar's aggregate classification.

Women's Health and Genetics/Laboratory Corporation of America, LabCorp
Classification: Benign for Severe combined immunodeficiency disease. Last evaluated: 2015-06-04. Review status: no assertion criteria provided. Collection method: clinical testing. Allele origin: germline. Not counted in ClinVar's aggregate classification.

NM_000448.3(RAG1):c.906C>A (p.Asp302Glu)

Gene: RAG1 (recombination activating 1; plus strand). Cytogenetic location: 11p12.
Variant type: single nucleotide variant.
Coding change: c.906C>A on transcript NM_000448.3 (MANE Select); coding-DNA position 906, C replaced by A.
Protein change: p.Asp302Glu; replaces aspartic acid 302 with glutamic acid.
Molecular consequence: missense variant.
Genome position (GRCh38, 1-based): chr11:36,574,210, C>A. VCF-style: chr11-36574210-C-A. GRCh37 (hg19) VCF-style: chr11-36595760-C-A.
Other names: p.D302E:GAC>GAA; NM_000448.3(RAG1):c.906C>A; c.906C>A, p.Asp302Glu (NM_001377277.1, NM_001377278.1, NM_001377279.1 and 1 more transcripts); short protein forms D302E.
Identifiers: ClinVar variation 36715 (VCV000036715.29), dbSNP rs4151030, ClinGen allele CA214206.